The following is an entry in ClinVar:

ClinVar aggregate classification (germline): Conflicting classifications of pathogenicity. Review status: criteria provided, conflicting classifications (1 of 4 stars). 14 submissions from 14 submitters: Uncertain significance (11); Likely benign (1). 2 of the submissions do not count toward it. Last evaluated 2025-12-16.

Conditions:
Hereditary nonpolyposis colorectal neoplasms. Identifiers: MedGen C0009405, MeSH D003123.
Mismatch repair cancer syndrome 4. Identifiers: MedGen C5436817, MONDO:0030843, OMIM 619101.
PMS2-related disorder. Also called: PMS2-related condition.
Hereditary cancer-predisposing syndrome. Also called: Hereditary neoplastic syndrome; Neoplastic Syndromes, Hereditary; Tumor predisposition; Hereditary Cancer Syndrome. Identifiers: Orphanet 140162, MedGen C0027672, MeSH D009386, MONDO:0015356.
Lynch syndrome. Identifiers: Orphanet 144, MedGen C4552100, MONDO:0005835. Disease mechanism: loss of function.
Lynch syndrome 4 (LYNCH4). Also called: Colorectal cancer, hereditary nonpolyposis, type 4; Hereditary non-polyposis colorectal cancer, type 4. Identifiers: Orphanet 144, MedGen C1838333, MONDO:0013699, OMIM 614337. Disease mechanism: loss of function.
Endometrial carcinoma. Also called: Endometrial carcinoma, somatic. Identifiers: MedGen C0476089, MONDO:0002447, OMIM 608089, HP:0012114.

Allele frequency attached by ClinVar (database versions not stated): gnomAD exomes 0.00001; ExAC 0.00002; gnomAD 0.00002; TOPMed 0.00002; ESP Exome Variant Server 0.00008.
gnomAD v4.1: 13 of 1,608,754 alleles (0.00081%); highest among the groups gnomAD compares: South Asian, 0.0055%; no homozygotes.

Submissions 1 to 8 of 14:

Labcorp Genetics (formerly Invitae), Labcorp
Classification: Uncertain significance for Hereditary nonpolyposis colorectal neoplasms. Last evaluated: 2025-12-16. Review status: criteria provided, single submitter. Criteria: Invitae Variant Classification Sherloc (09022015). Collection method: clinical testing. Allele origin: germline.
Comment: This sequence change replaces alanine, which is neutral and non-polar, with valine, which is neutral and non-polar, at codon 725 of the PMS2 protein (p.Ala725Val). The frequency data for this variant in the population databases (gnomAD) is considered unreliable due to the presence of homologous sequence, such as pseudogenes or paralogs, in the genome. This missense change has been observed in individual(s) with breast cancer and/or clinical features of Lynch syndrome (PMID: 25186627, 25980754, 38925456). ClinVar contains an entry for this variant (Variation ID: 185339). Invitae Evidence Modeling incorporating data from in vitro experimental studies (internal data) indicates that this missense variant is not expected to disrupt PMS2 function with a negative predictive value of 95%. In summary, the available evidence is currently insufficient to determine the role of this variant in disease. Therefore, it has been classified as a Variant of Uncertain Significance.

Color Diagnostics, LLC DBA Color Health
Classification: Uncertain significance for Hereditary cancer-predisposing syndrome. Last evaluated: 2025-11-06. Review status: criteria provided, single submitter. Criteria: ACMG Guidelines, 2015. Collection method: clinical testing. Allele origin: germline.
Comment: This missense variant replaces alanine with valine at codon 725 of the PMS2 protein. Computational prediction suggests that this variant may not impact protein structure and function. To our knowledge, functional studies have not been reported for this variant. This variant has been reported in individuals affected with a Lynch syndrome-associated cancer and/or colorectal polyps (PMID: 25980754). This variant has been identified in 13/1608754 chromosomes in the general population by the Genome Aggregation Database (gnomAD). The available evidence is insufficient to determine the role of this variant in disease conclusively. Therefore, this variant is classified as a Variant of Uncertain Significance.

Women's Health and Genetics/Laboratory Corporation of America, LabCorp
Classification: Uncertain significance. Last evaluated: 2025-10-17. Review status: criteria provided, single submitter. Criteria: LabCorp Variant Classification Summary - May 2015. Collection method: clinical testing. Allele origin: germline.
Comment: Variant summary: PMS2 c.2174C>T (p.Ala725Val) results in a non-conservative amino acid change located in the C-terminal dimerization domain (IPR014790) of the encoded protein sequence. Algorithms developed to predict the effect of missense changes on protein structure and function are either unavailable or do not agree on the potential impact of this missense change. In addition, this variant affects the last nucleotide of exon 12, therefore might affect splicing: consensus agreement among computation tools predict no significant impact on normal splicing. However, these predictions have yet to be confirmed by functional studies. The variant allele was found at a frequency of 1.2e-05 in 244484 control chromosomes (gnomAD). The available data on variant occurrences in the general population are insufficient to allow any conclusion about variant significance. c.2174C>T has been observed in individuals affected with various tumor phenotypes, including Lynch syndrome-associated cancers (e.g. Yurgelun_2015, Tung_2014, Margolskee_2016, Mistry_2024). These report(s) do not provide unequivocal conclusions about association of the variant with Hereditary Nonpolyposis Colorectal Cancer. Co-occurrence with another pathogenic variant has been reported (BRCA2 c.8167G>C, p.Asp2723His; Tung_2014), providing supporting evidence for a benign role. To our knowledge, no experimental evidence demonstrating an impact on protein function has been reported. The following publications have been ascertained in the context of this evaluation (PMID: 27203213, 25186627, 25980754, 38925456). ClinVar contains an entry for this variant (Variation ID: 185339). Based on the evidence outlined above, the variant was classified as uncertain significance.

Hema, HEMA – Genetic and Molecular Diagnostic Laboratory
Classification: Uncertain significance for Lynch syndrome. Last evaluated: 2025-03-10. Review status: criteria provided, single submitter. Criteria: HEMA Variant Classification Assertion Criteria. Collection method: clinical testing. Allele origin: germline.
Comment: It is a transition from guanine to adenine, resulting in the substitution of alanine 725 of PMS2 with valine. Lynch: BP4: Prior probability of pathogenicity score MAPP/PP2 = 0.0011 < 0.11.

PreventionGenetics, part of Exact Sciences
Classification: Uncertain significance for PMS2-related condition. Last evaluated: 2025-01-21. Review status: criteria provided, single submitter. Criteria: ACMG Guidelines, 2015. Collection method: clinical testing. Allele origin: germline.
Comment: The PMS2 c.2174C>T variant is predicted to result in the amino acid substitution p.Ala725Val. This alteration has been reported as a variant of uncertain significance in a patient undergoing Lynch syndrome testing (Table S2, Yurgelun et al. 2015. PubMed ID: 25980754). This variant is reported in 0.0067% of alleles in individuals of South Asian descent in gnomAD and is interpreted as uncertain in ClinVar. At this time, the clinical significance of this variant is uncertain due to the absence of conclusive functional and genetic evidence.

Quest Diagnostics Nichols Institute San Juan Capistrano
Classification: Uncertain significance. Last evaluated: 2024-12-24. Review status: criteria provided, single submitter. Criteria: Quest Diagnostics criteria. Collection method: clinical testing. Allele origin: unknown.
Comment: The PMS2 c.2174C>T (p.Ala725Val) variant has been reported in the published literature in individuals with Lynch syndrome (PMID: 25980754 (2015)), breast cancer (PMID: 25186627 (2015)), and pediatric germinoma (PMID: 34301788 (2021)). In addition, this variant has been reported in the somatic state in an individual with hepatosplenic T-cell lymphoma (PMID: 27203213 (2016)). The frequency of this variant in the general population (Genome Aggregation Database) is uninformative in the assessment of its pathogenicity. Analysis of this variant using bioinformatics tools for the prediction of the effect of amino acid changes on protein structure and function yielded predictions that this variant is benign. Based on the available information, we are unable to determine the clinical significance of this variant.

Molecular Diagnostics Laboratory, Catalan Institute of Oncology
Classification: Uncertain significance for Hereditary cancer-predisposing syndrome. Last evaluated: 2024-09-17. Review status: criteria provided, single submitter. Criteria: MMR VCEP Paper Draft V3.1. Collection method: clinical testing. Allele origin: germline.
Comment: BP4 c.2174C>T, located in exon 12 of the PMS2 gene, is predicted to result in the substitution of alanine by valine at codon 725, p.(Ala725Val).This variant is found in 3/261553 alleles with a filter allele frequency of 0.0012% at 99% confidence in the gnomAD v2.1.1 database, South Asian non-cancer dataset. Computational tools for this variant suggests no significant impact on splicing and does not affect the protein function (MAPP+PolyPhen-2 prior probability for pathogenicity: 0.001)(BP4). To our knowledge, neither relevant clinical data nor well-stablished functional studies have been reported for this variant. In addition, the variant has been reported in the ClinVar database (10x uncertain significance) but it has not been identified neither LOVD nor InSiGHT databases. Based on currently available information, c.2174C>T is classified as an uncertain significance variant according to ClinGen-MMR Guidelines version 3.1.

Ambry Genetics
Classification: Likely benign for Hereditary cancer-predisposing syndrome. Last evaluated: 2024-07-25. Review status: criteria provided, single submitter. Criteria: Ambry Variant Classification Scheme 2023. Collection method: clinical testing. Allele origin: germline.

NM_000535.7(PMS2):c.2174C>T (p.Ala725Val)

Gene: PMS2 (PMS1 homolog 2, mismatch repair system component; minus strand). Cytogenetic location: 7p22.1.
Variant type: single nucleotide variant.
Coding change: c.2174C>T on transcript NM_000535.7 (MANE Select); coding-DNA position 2174, C replaced by T.
Protein change: p.Ala725Val; replaces alanine 725 with valine.
Molecular consequence: missense variant. On other transcripts: non-coding transcript variant (1).
Genome position (GRCh38, 1-based): chr7:5,982,824, G>A on the plus strand (C>T on the coding strand, the complement: PMS2 is on the minus strand). VCF-style: chr7-5982824-G-A. GRCh37 (hg19) VCF-style: chr7-6022455-G-A.
Other names: c.2174C>T (NM_000535.6); c.1769C>T, p.Ala590Val (NM_001322003.2, NM_001322004.2, NM_001322005.2 and 1 more transcripts); c.2018C>T, p.Ala673Val (NM_001322006.2); c.1856C>T, p.Ala619Val (NM_001322007.2, NM_001322008.2); c.1613C>T, p.Ala538Val (NM_001322010.2); c.1241C>T, p.Ala414Val (NM_001322011.2, NM_001322012.2); c.1601C>T, p.Ala534Val (NM_001322013.2); c.2174C>T, p.Ala725Val (NM_001322014.2); and 1 more; short protein forms A725V, A414V, A619V, A590V, A622V, A673V, A534V, A538V.
Identifiers: ClinVar variation 185339 (VCV000185339.34), dbSNP rs150630090, ClinGen allele CA010984.
Genomic context (GRCh38, chr7:5,982,824, plus strand): 5'-GGCCTCTATTAGATCTTCAATTTGAGGGGGAGTCTGGGAATGAACACTAAACACACTCAC[G>A]CTATGAGCCTCTGCCCCTGGAGCACGGTGTGCTGCTGCAGCATCTCGAAGTTATACTTCT-3'
Protein context (NP_000526.2, residues 715-735): HTVLQGQRLI[Ala725Val]PQTLNLTAVN